The following is an entry in ClinVar:

NM_001134831.2(AHI1):c.3180T>A (p.Tyr1060Ter)

Gene: AHI1 (Abelson helper integration site 1; minus strand). Cytogenetic location: 6q23.3.
Variant type: single nucleotide variant.
Coding change: c.3180T>A on transcript NM_001134831.2 (MANE Select); coding-DNA position 3180, T replaced by A.
Protein change: p.Tyr1060Ter; replaces tyrosine 1060 with a stop codon.
Molecular consequence: nonsense.
Genome position (GRCh38, 1-based): chr6:135,323,310, A>T on the plus strand (T>A on the coding strand, the complement: AHI1 is on the minus strand). VCF-style: chr6-135323310-A-T. GRCh37 (hg19) VCF-style: chr6-135644448-A-T.
Other names: c.3180T>A, p.Tyr1060Ter (NM_001134830.2, NM_001350503.2, NM_001350504.2 and 1 more transcripts); short protein forms Y1060*.
Identifiers: ClinVar variation 2856049 (VCV002856049.3), dbSNP rs2483267737, ClinGen allele CA365845841.

ClinVar aggregate classification (germline): Pathogenic (1 of 4 stars; one submission).

Conditions:
Joubert syndrome. Also called: CEREBELLOPARENCHYMAL DISORDER IV; JOUBERT-BOLTSHAUSER SYNDROME; Familial aplasia of the vermis. Identifiers: Orphanet 475, MedGen C5979921, MONDO:0018772.

Submission:

Labcorp Genetics (formerly Invitae), Labcorp
Classification: Pathogenic for Joubert syndrome. Last evaluated: 2023-04-14. Review status: criteria provided, single submitter. Criteria: Invitae Variant Classification Sherloc (09022015). Collection method: clinical testing. Allele origin: germline.
Comment: This sequence change creates a premature translational stop signal (p.Tyr1060*) in the AHI1 gene. It is expected to result in an absent or disrupted protein product. Loss-of-function variants in AHI1 are known to be pathogenic (PMID: 15322546, 16453322, 28442542, 29186038). For these reasons, this variant has been classified as Pathogenic. This variant has not been reported in the literature in individuals affected with AHI1-related conditions. This variant is not present in population databases (gnomAD no frequency).

Literature cited by the submitters: PubMed 15322546; PubMed 16453322; PubMed 28442542; PubMed 29186038.